The following is an entry in ClinVar:

ClinVar aggregate classification (germline): Likely pathogenic (1 of 4 stars; one submission).

Conditions:
Neurofibromatosis, type 2 (SWNV). Also called: BILATERAL ACOUSTIC NEUROFIBROMATOSIS; SCHWANNOMATOSIS, VESTIBULAR; NF2-Related Schwannomatosis. Identifiers: Orphanet 637, MedGen C0027832, MONDO:0007039, OMIM 101000. Disease mechanism: loss of function.

Submission:

Labcorp Genetics (formerly Invitae), Labcorp
Classification: Likely pathogenic for Neurofibromatosis, type 2. Last evaluated: 2017-02-26. Review status: criteria provided, single submitter. Criteria: Invitae Variant Classification Sherloc (09022015). Collection method: clinical testing. Allele origin: germline.
Comment: In summary, sub-genic duplications are generally in tandem (PMID: 25640679), and result in an absent or disrupted protein. However, the exact location of this duplication has not been confirmed. Therefore, it has been classified as Likely Pathogenic. While this particular variant has not been reported in the literature, loss-of-function variants in NF2 are known to be pathogenic (PMID: 9643284, 16983642). This variant is a gross duplication of the genomic region encompassing exon 15 of the NF2 gene. While the exact position of the duplicated exons cannot be determined from this data, the duplicated copy of this region is likely in tandem and may result in an absent or disrupted protein product.

Literature cited by the submitters: PubMed 25640679; PubMed 9643284; PubMed 16983642.

NC_000022.10:g.(?_30077422)_(30077596_?)dup

Gene: NF2 (NF2, moesin-ezrin-radixin like (MERLIN) tumor suppressor; plus strand). Cytogenetic location: 22q12.2.
Variant type: Duplication.
Identifiers: ClinVar variation 457885 (VCV000457885.11).